The following is an entry in ClinVar:

NM_000531.6(OTC):c.722G>A (p.Gly241Asp)

Gene: OTC (ornithine transcarbamylase; plus strand). Cytogenetic location: Xp11.4.
Variant type: single nucleotide variant.
Coding change: c.722G>A on transcript NM_000531.6 (MANE Select); coding-DNA position 722, G replaced by A.
Protein change: p.Gly241Asp; replaces glycine 241 with aspartic acid.
Molecular consequence: missense variant.
Genome position (GRCh38, 1-based): chrX:38,408,880, G>A. VCF-style: chrX-38408880-G-A. GRCh37 (hg19) VCF-style: chrX-38268133-G-A.
Other names: c.722G>A (NM_000531.5); short protein forms G241D.
Identifiers: ClinVar variation 1423588 (VCV001423588.9), dbSNP rs1461226043, ClinGen allele CA412722172.

ClinVar aggregate classification (germline): Conflicting classifications of pathogenicity. Review status: criteria provided, conflicting classifications (1 of 4 stars). 4 submissions from 4 submitters: Uncertain significance (3); Benign (1). Last evaluated 2024-12-07.

Conditions:
Inborn genetic diseases. Identifiers: MedGen C0950123, MeSH D030342.
Ornithine carbamoyltransferase deficiency (OTCD). Also called: Ornithine Carbamoyltransferase Deficiency Disease; OTC DEFICIENCY; ORNITHINE TRANSCARBAMYLASE DEFICIENCY; ORNITHINE TRANSCARBAMYLASE DEFICIENCY, HYPERAMMONEMIA DUE TO. Identifiers: Orphanet 664, MedGen C0268542, MONDO:0010703, OMIM 311250.

Allele frequency attached by ClinVar (database versions not stated): gnomAD exomes below 0.00001 and 0.00001; TOPMed 0.00001.

Submissions (4):

Labcorp Genetics (formerly Invitae), Labcorp
Classification: Benign for Ornithine carbamoyltransferase deficiency. Last evaluated: 2024-12-07. Review status: criteria provided, single submitter. Criteria: Invitae Variant Classification Sherloc (09022015). Collection method: clinical testing. Allele origin: germline.

Ambry Genetics
Classification: Uncertain significance for Inborn genetic diseases. Last evaluated: 2024-05-09. Review status: criteria provided, single submitter. Criteria: Ambry Variant Classification Scheme 2023. Collection method: clinical testing. Allele origin: germline.

All of Us Research Program, National Institutes of Health
Classification: Uncertain significance for Ornithine carbamoyltransferase deficiency. Last evaluated: 2023-06-26. Review status: criteria provided, single submitter. Criteria: ACMG Guidelines, 2015. Collection method: clinical testing. Allele origin: germline. Inheritance: X-linked inheritance. Observed: 1 variant allele, 1 heterozygote.
Comment: This missense variant replaces glycine with aspartic acid at codon 241 of the OTC protein. Computational prediction suggests that this variant may have deleterious impact on protein structure and function (internally defined REVEL score threshold >= 0.7, PMID: 27666373). To our knowledge, functional studies have not been reported for this variant. This variant has not been reported in individuals affected with OTC-related disorders in the literature. This variant has been identified in 1/183224 chromosomes in the general population by the Genome Aggregation Database (gnomAD). The available evidence is insufficient to determine the role of this variant in disease conclusively. Therefore, this variant is classified as a Variant of Uncertain Significance.

This study involves interpretation of variants in research participants for the purpose of population health screening. Participant phenotype was not available at the time of variant classification. Additional details can be found in publication PMID: 35346344, PMCID: PMC8962531

Blueprint Genetics
Classification: Uncertain significance. Last evaluated: 2022-09-27. Review status: criteria provided, single submitter. Criteria: ACMG Guidelines, 2015. Collection method: clinical testing. Allele origin: germline.